The following is an entry in ClinVar:

NM_001134831.2(AHI1):c.2369_2372del (p.Asn790fs)

Gene: AHI1 (Abelson helper integration site 1; minus strand). Cytogenetic location: 6q23.3.
Variant type: Microsatellite.
Coding change: c.2369_2372del on transcript NM_001134831.2 (MANE Select); coding-DNA positions 2369 to 2372, 4 bases deleted (ATAA; older notation c.2369_2372delATAA).
Protein change: p.Asn790fs; shifts the reading frame from asparagine 790.
Molecular consequence: frameshift variant.
Genome position (GRCh38, 1-based): chr6:135,431,209-135,431,212, TTAT deleted on the plus strand (ATAA on the coding strand, the reverse complement: AHI1 is on the minus strand); deleting any 4 consecutive bases within chr6:135,431,209-135,431,216 gives the same sequence; the c. name uses the placement nearest the transcript's 3' end. VCF-style (leftmost placement, unchanged base first): chr6-135431208-CTTAT-C. GRCh37 (hg19) VCF-style: chr6-135752346-CTTAT-C.
Other names: c.2369_2372del, p.Asn790fs (NM_001134830.2, NM_001134832.2, NM_001350503.2 and 2 more transcripts); short protein forms N790fs.
Identifiers: ClinVar variation 591591 (VCV000591591.5), dbSNP rs1562753388, ClinGen allele CA891862718.

ClinVar aggregate classification (germline): Pathogenic. Review status: criteria provided, multiple submitters, no conflicts (2 of 4 stars). 3 submissions from 3 submitters: Pathogenic (2). 1 of the submissions does not count toward it. Last evaluated 2025-07-29.

Conditions:
Joubert syndrome 3 (JBTS3). Also called: AHI1-related Ciliopathy. Identifiers: Orphanet 220493, MedGen C1837713, MONDO:0012078, OMIM 608629.
Joubert syndrome. Also called: Familial aplasia of the vermis; JOUBERT-BOLTSHAUSER SYNDROME. Identifiers: Orphanet 475, MedGen C5979921, MONDO:0018772.

Submissions (3):

Myriad Genetics, Inc.
Classification: Pathogenic for Joubert syndrome 3. Last evaluated: 2025-07-29. Review status: criteria provided, single submitter. Criteria: Myriad Autosomal Dominant, Autosomal Recessive and X-Linked Classification Criteria (2023). Collection method: clinical testing. Allele origin: unknown.
Comment: NM_001134831.1(AHI1):c.2369_2372delATAA(N790Rfs*13) is a frameshift variant classified as pathogenic in the context of Joubert syndrome, AHI1-related. N790Rfs*13 has not been observed in cases with relevant disease. Relevant functional assessments of this variant are not available in the literature. N790Rfs*13 has not been observed in referenced population frequency databases. In summary, NM_001134831.1(AHI1):c.2369_2372delATAA(N790Rfs*13) is a frameshift variant in a gene where loss of function is a known mechanism of disease and is predicted to disrupt protein function. Please note: this variant was assessed in the context of healthy population screening.

Labcorp Genetics (formerly Invitae), Labcorp
Classification: Pathogenic for Joubert syndrome. Last evaluated: 2023-11-13. Review status: criteria provided, single submitter. Criteria: Invitae Variant Classification Sherloc (09022015). Collection method: clinical testing. Allele origin: germline.
Comment: This sequence change creates a premature translational stop signal (p.Asn790Argfs*13) in the AHI1 gene. It is expected to result in an absent or disrupted protein product. Loss-of-function variants in AHI1 are known to be pathogenic (PMID: 15322546, 16453322, 28442542, 29186038). This variant is not present in population databases (gnomAD no frequency). This variant has not been reported in the literature in individuals affected with AHI1-related conditions. For these reasons, this variant has been classified as Pathogenic.

Gharavi Laboratory, Columbia University
Classification: Uncertain significance. Last evaluated: 2018-09-16. Review status: no assertion criteria provided. Criteria: ACMG Guidelines, 2015. Collection method: research. Allele origin: germline. Affected: yes. Not counted in ClinVar's aggregate classification.

Literature cited by the submitters: PubMed 15322546 (cited by Labcorp Genetics (formerly Invitae), Labcorp); PubMed 16453322 (cited by Labcorp Genetics (formerly Invitae), Labcorp); PubMed 28442542 (cited by Labcorp Genetics (formerly Invitae), Labcorp); PubMed 29186038 (cited by Labcorp Genetics (formerly Invitae), Labcorp).